The following is an entry in ClinVar:

NM_003482.4(KMT2D):c.6458C>G (p.Pro2153Arg)

Gene: KMT2D (lysine methyltransferase 2D; minus strand). Cytogenetic location: 12q13.12.
Variant type: single nucleotide variant.
Coding change: c.6458C>G on transcript NM_003482.4 (MANE Select); coding-DNA position 6458, C replaced by G.
Protein change: p.Pro2153Arg; replaces proline 2153 with arginine.
Molecular consequence: missense variant.
Genome position (GRCh38, 1-based): chr12:49,041,312, G>C on the plus strand (C>G on the coding strand, the complement: KMT2D is on the minus strand). VCF-style: chr12-49041312-G-C. GRCh37 (hg19) VCF-style: chr12-49435095-G-C.
Other names: short protein forms P2153R.
Identifiers: ClinVar variation 2730842 (VCV002730842.3), dbSNP rs1165783291, ClinGen allele CA384750796.

ClinVar aggregate classification (germline): Uncertain significance (1 of 4 stars; one submission).

Conditions:
Kabuki syndrome. Also called: Kabuki make-up syndrome; NIIKAWA-KUROKI SYNDROME. Identifiers: Orphanet 2322, MedGen C0796004, MONDO:0016512.

Allele frequency attached by ClinVar (database versions not stated): gnomAD exomes below 0.00001; TOPMed below 0.00001.
gnomAD v4.1: 1 of 1,536,230 alleles (0.000065%); highest among the groups gnomAD compares: Non-Finnish European, 0.000087%; no homozygotes.

Submission:

Labcorp Genetics (formerly Invitae), Labcorp
Classification: Uncertain significance for Kabuki syndrome. Last evaluated: 2024-05-01. Review status: criteria provided, single submitter. Criteria: Invitae Variant Classification Sherloc (09022015). Collection method: clinical testing. Allele origin: germline.
Comment: This sequence change replaces proline, which is neutral and non-polar, with arginine, which is basic and polar, at codon 2153 of the KMT2D protein (p.Pro2153Arg). This variant is not present in population databases (gnomAD no frequency). This variant has not been reported in the literature in individuals affected with KMT2D-related conditions. Advanced modeling of protein sequence and biophysical properties (such as structural, functional, and spatial information, amino acid conservation, physicochemical variation, residue mobility, and thermodynamic stability) performed at Invitae indicates that this missense variant is not expected to disrupt KMT2D protein function with a negative predictive value of 95%. In summary, the available evidence is currently insufficient to determine the role of this variant in disease. Therefore, it has been classified as a Variant of Uncertain Significance.